The following is an entry in ClinVar:

ClinVar aggregate classification (germline): Uncertain significance (1 of 4 stars; one submission).

gnomAD v4.1: 8 of 1,609,776 alleles (0.0005%); highest among the groups gnomAD compares: Non-Finnish European, 0.00068%; no homozygotes.

Submission:

Labcorp Genetics (formerly Invitae), Labcorp
Classification: Uncertain significance. Last evaluated: 2026-02-01. Review status: criteria provided, single submitter. Criteria: Invitae Variant Classification Sherloc (09022015). Collection method: clinical testing. Allele origin: germline.
Comment: This sequence change replaces arginine, which is basic and polar, with serine, which is neutral and polar, at codon 480 of the DDX58 protein (p.Arg480Ser). This variant is present in population databases (no rsID available, gnomAD 0.002%). This variant has not been reported in the literature in individuals affected with DDX58-related conditions. ClinVar contains an entry for this variant (Variation ID: 1358025). Invitae Evidence Modeling of protein sequence and biophysical properties (such as structural, functional, and spatial information, amino acid conservation, physicochemical variation, residue mobility, and thermodynamic stability) indicates that this missense variant is not expected to disrupt DDX58 protein function with a negative predictive value of 80%. In summary, the available evidence is currently insufficient to determine the role of this variant in disease. Therefore, it has been classified as a Variant of Uncertain Significance.

NM_014314.4(RIGI):c.1440G>C (p.Arg480Ser)

Gene: RIGI (RNA sensor RIG-I; minus strand). Cytogenetic location: 9p21.1.
Variant type: single nucleotide variant.
Coding change: c.1440G>C on transcript NM_014314.4 (MANE Select); coding-DNA position 1440, G replaced by C.
Protein change: p.Arg480Ser; replaces arginine 480 with serine.
Molecular consequence: missense variant.
Genome position (GRCh38, 1-based): chr9:32,485,215, C>G on the plus strand (G>C on the coding strand, the complement: RIGI is on the minus strand). VCF-style: chr9-32485215-C-G. GRCh37 (hg19) VCF-style: chr9-32485213-C-G.
Other names: c.1434G>C, p.Arg478Ser (NM_001385907.1); c.1440G>C, p.Arg480Ser (NM_001385909.1); c.999G>C, p.Arg333Ser (NM_001385910.1); c.831G>C, p.Arg277Ser (NM_001385912.1); c.1425G>C, p.Arg475Ser (NM_001385913.1); c.996G>C, p.Arg332Ser (NM_001385914.1); short protein forms R333S, R332S, R478S, R475S, R480S, R277S.
Identifiers: ClinVar variation 1358025 (VCV001358025.6), dbSNP rs528176202, ClinGen allele CA192377561.
Genomic context (GRCh38, chr9:32,485,215, plus strand): 5'-AAATATGAGATTTATCTCACCGAGGTCTTTGCAGATTCTCTTTGCCAGACTCTCTGTGTC[C>G]CTCATCAGCTGAGCTATGATGTATTTAAATTTGTCGCTAATCCGTGATTCCACTTTCCTG-3'
Protein context (NP_055129.2, residues 470-490): KFKYIIAQLM[Arg480Ser]DTESLAKRIC